The following is an entry in ClinVar:

NM_003072.5(SMARCA4):c.2450A>G (p.Asn817Ser)

Gene: SMARCA4 (SWI/SNF related BAF chromatin remodeling complex subunit ATPase 4; plus strand). Cytogenetic location: 19p13.2.
Variant type: single nucleotide variant.
Coding change: c.2450A>G on transcript NM_003072.5 (MANE Select); coding-DNA position 2450, A replaced by G.
Protein change: p.Asn817Ser; replaces asparagine 817 with serine.
Molecular consequence: missense variant. On other transcripts: non-coding transcript variant (1).
Genome position (GRCh38, 1-based): chr19:11,018,968, A>G. VCF-style: chr19-11018968-A-G. GRCh37 (hg19) VCF-style: chr19-11129644-A-G.
Other names: c.2450A>G, p.Asn817Ser (NM_001128844.3, NM_001128845.2, NM_001128846.2 and 5 more transcripts); short protein forms N817S.
Identifiers: ClinVar variation 1524958 (VCV001524958.6), dbSNP rs2146359567, ClinGen allele CA404053479.
Genomic context (GRCh38, chr19:11,018,968, plus strand): 5'-GCCATTGATGAGAGACCGGCACTTGACTCTCATTTCCTTGTTCCATCAGAACGCTGTCCA[A>G]CTGGGCGTACGAGTTTGACAAGTGGGCCCCCTCCGTGGTGAAGGTGTCTTACAAGGTAGG-3'
Protein context (NP_003063.2, residues 807-827): LIIVPLSTLS[Asn817Ser]WAYEFDKWAP

ClinVar aggregate classification (germline): Uncertain significance (1 of 4 stars; one submission).

Conditions:
Rhabdoid tumor predisposition syndrome 2 (RTPS2). Identifiers: Orphanet 231108, Orphanet 69077, MedGen C2750074, MONDO:0013224, OMIM 613325.

Submission:

Labcorp Genetics (formerly Invitae), Labcorp
Classification: Uncertain significance for Rhabdoid tumor predisposition syndrome 2. Last evaluated: 2024-03-06. Review status: criteria provided, single submitter. Criteria: Invitae Variant Classification Sherloc (09022015). Collection method: clinical testing. Allele origin: germline.
Comment: This sequence change replaces asparagine, which is neutral and polar, with serine, which is neutral and polar, at codon 817 of the SMARCA4 protein (p.Asn817Ser). This variant is not present in population databases (gnomAD no frequency). This variant has not been reported in the literature in individuals affected with SMARCA4-related conditions. ClinVar contains an entry for this variant (Variation ID: 1524958). Advanced modeling of protein sequence and biophysical properties (such as structural, functional, and spatial information, amino acid conservation, physicochemical variation, residue mobility, and thermodynamic stability) performed at Invitae indicates that this missense variant is expected to disrupt SMARCA4 protein function with a positive predictive value of 95%. In summary, the available evidence is currently insufficient to determine the role of this variant in disease. Therefore, it has been classified as a Variant of Uncertain Significance.